The following is an entry in ClinVar:

NM_001003787.4(STRADA):c.581+4C>T

Genes: STRADA (STE20 related adaptor alpha; minus strand), LOC125312417 (Sharpr-MPRA regulatory region 9817; plus strand). Cytogenetic location: 17q23.3.
Variant type: single nucleotide variant.
Coding change: c.581+4C>T on transcript NM_001003787.4 (MANE Select); 4 bases into the intron after coding-DNA position 581, C replaced by T.
Molecular consequence: intron variant.
Genome position (GRCh38, 1-based): chr17:63,710,487, G>A on the plus strand (C>T on the coding strand, the complement: STRADA is on the minus strand). VCF-style: chr17-63710487-G-A. GRCh37 (hg19) VCF-style: chr17-61787847-G-A.
Other names: c.470+4C>T (NM_001363789.1, NM_001003786.3, NM_153335.6); c.407+4C>T (NM_001363790.1, NM_001363791.1, NM_001003788.3); c.557+4C>T (NM_001363786.1); c.494+4C>T (NM_001165969.2, NM_001363787.1); c.449+4C>T (NM_001165970.2); c.581+4C>T (NM_001363788.1).
Identifiers: ClinVar variation 468885 (VCV000468885.6), dbSNP rs764367131, ClinGen allele CA8703358.

ClinVar aggregate classification (germline): Uncertain significance (1 of 4 stars; one submission).

Conditions:
Polyhydramnios, megalencephaly, and symptomatic epilepsy (PMSE). Also called: PMSE SYNDROME. Identifiers: Orphanet 500533, MedGen C1970203, MONDO:0012611, OMIM 611087.

Allele frequency attached by ClinVar (database versions not stated): gnomAD 0.00001 and 0.00002; gnomAD exomes 0.00001 and 0.00003; ExAC 0.00002; TOPMed 0.00002.
gnomAD v4.1: 51 of 1,613,150 alleles (0.0032%); highest among the groups gnomAD compares: South Asian, 0.0044%; no homozygotes.

Submission:

Labcorp Genetics (formerly Invitae), Labcorp
Classification: Uncertain significance for Polyhydramnios, megalencephaly, and symptomatic epilepsy. Last evaluated: 2021-08-24. Review status: criteria provided, single submitter. Criteria: Invitae Variant Classification Sherloc (09022015). Collection method: clinical testing. Allele origin: germline.
Comment: This sequence change falls in intron 8 of the STRADA gene. It does not directly change the encoded amino acid sequence of the STRADA protein. It affects a nucleotide within the consensus splice site of the intron. This variant is present in population databases (rs764367131, ExAC 0.003%). This variant has not been reported in the literature in individuals affected with STRADA-related conditions. Variants that disrupt the consensus splice site are a relatively common cause of aberrant splicing (PMID: 17576681, 9536098). Algorithms developed to predict the effect of sequence changes on RNA splicing suggest that this variant may disrupt the consensus splice site. In summary, the available evidence is currently insufficient to determine the role of this variant in disease. Therefore, it has been classified as a Variant of Uncertain Significance.

Literature cited by the submitters: PubMed 17576681; PubMed 9536098.